The following is an entry in ClinVar:

ClinVar aggregate classification (germline): Uncertain significance (1 of 4 stars; one submission).

Conditions:
Aniridia 1 (AN1). Identifiers: Orphanet 250923, MedGen C0344542, MONDO:0024507, OMIM 106210.
Irido-corneo-trabecular dysgenesis (ASGD5). Also called: ANTERIOR SEGMENT DYSGENESIS 5. Identifiers: Orphanet 708, MedGen C0344559, MONDO:0011414, OMIM 604229, HP:0000659.

Submission:

Labcorp Genetics (formerly Invitae), Labcorp
Classification: Uncertain significance for Aniridia 1; Irido-corneo-trabecular dysgenesis. Last evaluated: 2022-06-05. Review status: criteria provided, single submitter. Criteria: Invitae Variant Classification Sherloc (09022015). Collection method: clinical testing. Allele origin: germline.
Comment: Variants that disrupt the consensus splice site are a relatively common cause of aberrant splicing (PMID: 17576681, 9536098). Algorithms developed to predict the effect of sequence changes on RNA splicing suggest that this variant may disrupt the consensus splice site. In summary, the available evidence is currently insufficient to determine the role of this variant in disease. Therefore, it has been classified as a Variant of Uncertain Significance. This variant has not been reported in the literature in individuals affected with PAX6-related conditions. This variant is not present in population databases (gnomAD no frequency). This sequence change falls in intron 8 of the PAX6 gene. It does not directly change the encoded amino acid sequence of the PAX6 protein. It affects a nucleotide within the consensus splice site.

Literature cited by the submitters: PubMed 17576681; PubMed 9536098.

NM_001368894.2(PAX6):c.724+3G>A

Gene: PAX6 (paired box 6; minus strand). Cytogenetic location: 11p13.
Variant type: single nucleotide variant.
Coding change: c.724+3G>A on transcript NM_001368894.2 (MANE Select); 3 bases into the intron after coding-DNA position 724, G replaced by A.
Molecular consequence: intron variant.
Genome position (GRCh38, 1-based): chr11:31,794,627, C>T on the plus strand (G>A on the coding strand, the complement: PAX6 is on the minus strand). VCF-style: chr11-31794627-C-T. GRCh37 (hg19) VCF-style: chr11-31816175-C-T.
Other names: c.682+3G>A (NM_001127612.3, NM_001368890.2, NM_001368888.2 and 10 more transcripts); c.523+3G>A (NM_001368921.2, NM_001368923.2, NM_001368926.2 and 4 more transcripts); c.724+3G>A (NM_001258462.3, NM_001310158.2, NM_001258463.2 and 6 more transcripts); c.799+3G>A (NM_001368919.2, NM_001368918.2); c.925+3G>A (NM_001368910.2); c.274+3G>A (NM_001368909.2, NM_001368904.2, NM_001368905.2 and 11 more transcripts); c.727+3G>A (NM_001368911.2); c.481+3G>A (NM_001368928.2); and 2 more.
Identifiers: ClinVar variation 2096879 (VCV002096879.4), dbSNP rs2495296732, ClinGen allele CA2580082907.